The following is an entry in ClinVar:

NM_198428.3(BBS9):c.2445C>G (p.Leu815=)

Gene: BBS9 (Bardet-Biedl syndrome 9; plus strand). Cytogenetic location: 7p14.3.
Variant type: single nucleotide variant.
Coding change: c.2445C>G on transcript NM_198428.3 (MANE Select); coding-DNA position 2445, C replaced by G.
Protein change: p.Leu815=; no amino-acid change (leucine 815 retained).
Molecular consequence: synonymous variant. On other transcripts: non-coding transcript variant (3).
Genome position (GRCh38, 1-based): chr7:33,534,100, C>G. VCF-style: chr7-33534100-C-G. GRCh37 (hg19) VCF-style: chr7-33573712-C-G.
Other names: c.2445C>G (NM_198428.2); c.2340C>G, p.Leu780= (NM_001033604.2); c.2430C>G, p.Leu810= (NM_001033605.2); c.2445C>G, p.Leu815= (NM_001348036.1, NM_001348041.4, NM_001348043.3 and 1 more transcripts); c.1896C>G, p.Leu632= (NM_001348037.3); c.2172C>G, p.Leu724= (NM_001348038.3); c.2067C>G, p.Leu689= (NM_001348039.3); c.2325C>G, p.Leu775= (NM_001348040.3, NM_014451.4); and 3 more.
Identifiers: ClinVar variation 1622094 (VCV001622094.10), dbSNP rs758338410, ClinGen allele CA4214683.

ClinVar aggregate classification (germline): Likely benign. Review status: criteria provided, single submitter (1 of 4 stars). 2 submissions from 2 submitters: Likely benign (1). 1 of the submissions does not count toward it. Last evaluated 2025-06-27.

Conditions:
Bardet-Biedl syndrome (BBS). Identifiers: Orphanet 110, MedGen C0752166, MONDO:0015229.
BBS9-related disorder. Also called: BBS9-related condition.

Allele frequency attached by ClinVar (database versions not stated): gnomAD exomes 0.00002; TOPMed 0.00002; ExAC 0.00003.
gnomAD v4.1: 11 of 1,614,200 alleles (0.00068%); highest among the groups gnomAD compares: Admixed American, 0.01%; no homozygotes.

Submissions (2):

Labcorp Genetics (formerly Invitae), Labcorp
Classification: Likely benign for Bardet-Biedl syndrome. Last evaluated: 2025-06-27. Review status: criteria provided, single submitter. Criteria: Invitae Variant Classification Sherloc (09022015). Collection method: clinical testing. Allele origin: germline.

PreventionGenetics, part of Exact Sciences
Classification: Likely benign for BBS9-related condition. Last evaluated: 2021-02-19. Review status: no assertion criteria provided. Collection method: clinical testing. Allele origin: germline. Not counted in ClinVar's aggregate classification.
Comment: This variant is classified as likely benign based on ACMG/AMP sequence variant interpretation guidelines (Richards et al. 2015 PMID: 25741868, with internal and published modifications).